The following is an entry in ClinVar:

NM_000815.5(GABRD):c.1108G>A (p.Val370Ile)

Gene: GABRD (gamma-aminobutyric acid type A receptor subunit delta; plus strand). Cytogenetic location: 1p36.33.
Variant type: single nucleotide variant.
Coding change: c.1108G>A on transcript NM_000815.5 (MANE Select); coding-DNA position 1108, G replaced by A.
Protein change: p.Val370Ile; replaces valine 370 with isoleucine.
Molecular consequence: missense variant.
Genome position (GRCh38, 1-based): chr1:2,030,031, G>A. VCF-style: chr1-2030031-G-A. GRCh37 (hg19) VCF-style: chr1-1961470-G-A.
Other names: short protein forms V370I.
Identifiers: ClinVar variation 375540 (VCV000375540.8), dbSNP rs1057519556, ClinGen allele CA16044304.

ClinVar aggregate classification (germline): Uncertain significance. Review status: criteria provided, multiple submitters, no conflicts (2 of 4 stars). 2 submissions from 2 submitters: Uncertain significance (2). Last evaluated 2017-06-08.

Conditions:
Idiopathic generalized epilepsy. Also called: Generalised epilepsy; EIG. Identifiers: MedGen C0270850, MONDO:0005579, OMIM 600669.
Epileptic encephalopathy. Identifiers: MedGen C0543888, HP:0200134.

Allele frequency attached by ClinVar (database versions not stated): TOPMed 0.00003; gnomAD 0.00001; gnomAD exomes below 0.00001.

Submissions (2):

Labcorp Genetics (formerly Invitae), Labcorp
Classification: Uncertain significance for Idiopathic generalized epilepsy. Last evaluated: 2017-06-08. Review status: criteria provided, single submitter. Criteria: Invitae Variant Classification Sherloc (09022015). Collection method: clinical testing. Allele origin: germline.
Comment: This variant is not present in population databases (ExAC no frequency). This sequence change replaces valine with isoleucine at codon 370 of the GABRD protein (p.Val370Ile). The valine residue is moderately conserved and there is a small physicochemical difference between valine and isoleucine. This variant has not been reported in the literature in individuals with a GABRD-related disease. ClinVar contains an entry for this variant (Variation ID: 375540). Algorithms developed to predict the effect of missense changes on protein structure and function output the following: SIFT: "Tolerated"; PolyPhen-2: "Benign"; Align-GVGD: "Class C0". The isoleucine amino acid residue is found in multiple mammalian species, suggesting that this missense change does not adversely affect protein function. These predictions have not been confirmed by published functional studies and their clinical significance is uncertain. In summary, this variant has uncertain impact on GABRD function. The available evidence is currently insufficient to determine its role in disease. Therefore, it has been classified as a Variant of Uncertain Significance.

Neurogenetics Laboratory - MEYER, AOU Meyer
Classification: Uncertain significance for Epileptic encephalopathy. Last evaluated: 2016-11-16. Review status: criteria provided, single submitter. Criteria: ACMG Guidelines, 2015. Collection method: clinical testing. Allele origin: unknown. Affected: yes. Observed: 1 heterozygote.